The following is an entry in ClinVar:

NM_000540.3(RYR1):c.15098A>G (p.Tyr5033Cys)

Gene: RYR1 (ryanodine receptor 1; plus strand). Cytogenetic location: 19q13.2.
Variant type: single nucleotide variant.
Coding change: c.15098A>G on transcript NM_000540.3 (MANE Select); coding-DNA position 15098, A replaced by G.
Protein change: p.Tyr5033Cys; replaces tyrosine 5033 with cysteine.
Molecular consequence: missense variant.
Genome position (GRCh38, 1-based): chr19:38,587,401, A>G. VCF-style: chr19-38587401-A-G. GRCh37 (hg19) VCF-style: chr19-39078041-A-G.
Other names: c.15083A>G, p.Tyr5028Cys (NM_001042723.2); short protein forms Y5033C, Y5028C.
Identifiers: ClinVar variation 224409 (VCV000224409.9), dbSNP rs201765762, ClinGen allele CA211963.
Genomic context (GRCh38, chr19:38,587,401, plus strand): 5'-AGATGTACCAAGAGAGATGTTGGGATTTCTTCCCAGCTGGTGATTGTTTCCGTAAGCAGT[A>G]TGAGGACCAGCTTAGCTGACACACCCCCAGCTGGCCCTCCACCCCCACCTCAAGTGCCTT-3'
Protein context (NP_000531.2, residues 5023-5038): FPAGDCFRKQ[Tyr5033Cys]EDQLS

ClinVar aggregate classification (germline): Uncertain significance. Review status: criteria provided, multiple submitters, no conflicts (2 of 4 stars). 3 submissions from 3 submitters: Uncertain significance (2). 1 of the submissions does not count toward it. Last evaluated 2024-01-01.

Conditions:
RYR1-related disorder. Also called: RYR1-related disorders; RYR1-related condition. Identifiers: MedGen CN239331.
Malignant hyperthermia, susceptibility to, 1 (MHS1). Also called: Malignant hyperthermia suceptibility 1; RYR1-Related Malignant Hyperthermia Susceptibility; Anesthesia related hyperthermia; Malignant hyperpyrexia; Fulminating hyperpyrexia; Pharmacogenic myopathy. Identifiers: Orphanet 423, MedGen C2930980, MONDO:0007783, OMIM 145600.

Submissions (3):

Labcorp Genetics (formerly Invitae), Labcorp
Classification: Uncertain significance for RYR1-related disorder. Last evaluated: 2024-01-01. Review status: criteria provided, single submitter. Criteria: Invitae Variant Classification Sherloc (09022015). Collection method: clinical testing. Allele origin: germline.
Comment: This sequence change replaces tyrosine, which is neutral and polar, with cysteine, which is neutral and slightly polar, at codon 5033 of the RYR1 protein (p.Tyr5033Cys). This variant is not present in population databases (gnomAD no frequency). This variant has not been reported in the literature in individuals affected with RYR1-related conditions. ClinVar contains an entry for this variant (Variation ID: 224409). Advanced modeling of protein sequence and biophysical properties (such as structural, functional, and spatial information, amino acid conservation, physicochemical variation, residue mobility, and thermodynamic stability) performed at Invitae indicates that this missense variant is expected to disrupt RYR1 protein function with a positive predictive value of 95%. In summary, the available evidence is currently insufficient to determine the role of this variant in disease. Therefore, it has been classified as a Variant of Uncertain Significance.

Biesecker Lab/Clinical Genomics Section, National Institutes of Health
Classification: Uncertain significance for Malignant hyperthermia, susceptibility to, 1. Last evaluated: 2013-07-01. Review status: criteria provided, single submitter. Criteria: Gonsalves et al. 2013. Collection method: research. Allele origin: unknown. Observed: 1 variant allele. Study: ClinSeq.
Comment: The study set was not selected for affection status in relation to any myopathy. Pathogenicity categories were based on literature curation. See Pubmed ID: 24195946 for details.

PreventionGenetics, part of Exact Sciences
Classification: Uncertain significance for RYR1-related condition. Last evaluated: 2024-09-18. Review status: no assertion criteria provided. Collection method: clinical testing. Allele origin: germline. Not counted in ClinVar's aggregate classification.
Comment: The RYR1 c.15098A>G variant is predicted to result in the amino acid substitution p.Tyr5033Cys. To our knowledge, this variant has not been reported in the literature or in a large population database, indicating this variant is rare. At this time, the clinical significance of this variant is uncertain due to the absence of conclusive functional and genetic evidence.